The following is an entry in ClinVar:

NM_001048174.2(MUTYH):c.-6-3C>T

Gene: MUTYH (mutY DNA glycosylase; minus strand). Cytogenetic location: 1p34.1.
Variant type: single nucleotide variant.
Coding change: c.-6-3C>T on transcript NM_001048174.2 (MANE Select); 3 bases into the intron before 6 bases upstream of the start codon, C replaced by T.
Molecular consequence: intron variant.
Genome position (GRCh38, 1-based): chr1:45,334,514, G>A on the plus strand (C>T on the coding strand, the complement: MUTYH is on the minus strand). VCF-style: chr1-45334514-G-A. GRCh37 (hg19) VCF-style: chr1-45800186-G-A.
Other names: c.-213-3C>T (NM_001350651.2); c.-218-3C>T (NM_001293192.2, NM_001293196.2); c.-277-3C>T (NM_001350650.2); c.-6-3C>T (NM_001048171.2, NM_001048173.2, NM_001048172.2 and 2 more transcripts); c.37-3C>T (NM_001293190.2, NM_012222.3, NM_001128425.2 and 1 more transcripts).
Identifiers: ClinVar variation 1018945 (VCV001018945.9), dbSNP rs1196822993, ClinGen allele CA2473713735.

ClinVar aggregate classification (germline): Conflicting classifications of pathogenicity. Review status: criteria provided, conflicting classifications (1 of 4 stars). 3 submissions from 3 submitters: Uncertain significance (2); Likely benign (1). Last evaluated 2025-08-08.

Conditions:
Hereditary cancer-predisposing syndrome. Also called: Neoplastic Syndromes, Hereditary; Hereditary Cancer Syndrome; Hereditary neoplastic syndrome; Tumor predisposition. Identifiers: Orphanet 140162, MedGen C0027672, MeSH D009386, MONDO:0015356.
Familial adenomatous polyposis 2. Also called: COLORECTAL ADENOMATOUS POLYPOSIS, AUTOSOMAL RECESSIVE; ADENOMAS, MULTIPLE COLORECTAL, AUTOSOMAL RECESSIVE; Adenomas, multiple colorectal; FAP type 2; MUTYH Polyposis; MUTYH-associated polyposis. Identifiers: Orphanet 220460, Orphanet 247798, MedGen C3272841, MONDO:0012041, OMIM 608456.

Allele frequency attached by ClinVar (database versions not stated): gnomAD exomes below 0.00001.
gnomAD v4.1: 5 of 1,613,994 alleles (0.00031%); highest among the groups gnomAD compares: Non-Finnish European, 0.00025%; no homozygotes.

Submissions (3):

Ambry Genetics
Classification: Uncertain significance for Hereditary cancer-predisposing syndrome. Last evaluated: 2025-08-08. Review status: criteria provided, single submitter. Criteria: Ambry Variant Classification Scheme 2023. Collection method: clinical testing. Allele origin: germline.
Comment: The c.37-3C>T intronic variant results from a C to T substitution 3 nucleotides upstream from coding exon 2 in the MUTYH gene. This nucleotide position is not well conserved in available vertebrate species. In silico splice site analysis predicts that this alteration will not have any significant effect on splicing. Based on the available evidence, the clinical significance of this variant remains unclear.

Color Diagnostics, LLC DBA Color Health
Classification: Likely benign for Hereditary cancer-predisposing syndrome. Last evaluated: 2025-04-28. Review status: criteria provided, single submitter. Criteria: ACMG Guidelines, 2015. Collection method: clinical testing. Allele origin: germline.

Labcorp Genetics (formerly Invitae), Labcorp
Classification: Uncertain significance for Familial adenomatous polyposis 2. Last evaluated: 2021-01-14. Review status: criteria provided, single submitter. Criteria: Invitae Variant Classification Sherloc (09022015). Collection method: clinical testing. Allele origin: germline.
Comment: This sequence change falls in intron 1 of the MUTYH gene. It does not directly change the encoded amino acid sequence of the MUTYH protein, but it affects a nucleotide within the consensus splice site of the intron. In summary, the available evidence is currently insufficient to determine the role of this variant in disease. Therefore, it has been classified as a Variant of Uncertain Significance. Nucleotide substitutions within the consensus splice site are a relatively common cause of aberrant splicing (PMID: 17576681, 9536098). Algorithms developed to predict the effect of sequence changes on RNA splicing suggest that this variant is not likely to affect RNA splicing, but this prediction has not been confirmed by published transcriptional studies. This variant has not been reported in the literature in individuals with MUTYH-related conditions. This variant is not present in population databases (ExAC no frequency).

Literature cited by the submitters: PubMed 17576681 (cited by Labcorp Genetics (formerly Invitae), Labcorp); PubMed 9536098 (cited by Labcorp Genetics (formerly Invitae), Labcorp).